The following is an entry in ClinVar:

NM_001044.5(SLC6A3):c.1031+1G>A

Gene: SLC6A3 (solute carrier family 6 member 3). Cytogenetic location: 5p15.33.
Variant type: single nucleotide variant.
Coding change: c.1031+1G>A on transcript NM_001044.5 (MANE Select); the canonical splice donor site of the intron after coding-DNA position 1031, G replaced by A.
Molecular consequence: splice donor variant.
Genome position (GRCh38, 1-based): chr5:1,416,097, C>T on the plus strand (G>A on the coding strand, the complement: SLC6A3 is on the minus strand). VCF-style: chr5-1416097-C-T. GRCh37 (hg19) VCF-style: chr5-1416212-C-T.
Other names: IVS7DS, G-A, +1.
Identifiers: ClinVar variation 97016 (VCV000097016.9), dbSNP rs431905514, ClinGen allele CA149713.

ClinVar aggregate classification (germline): Likely pathogenic. Review status: criteria provided, single submitter (1 of 4 stars). 2 submissions from 2 submitters: Likely pathogenic (1). 1 of the submissions does not count toward it. Last evaluated 2017-07-03.

Conditions:
Parkinsonism-dystonia, infantile. Identifiers: Orphanet 238455, MedGen C2751067, MONDO:0013150.
Classic dopamine transporter deficiency syndrome (PKDYS1). Also called: DOPAMINE TRANSPORTER DEFICIENCY SYNDROME; Parkinsonism-dystonia, infantile, 1. Identifiers: Orphanet 238455, MedGen C5700336, MONDO:0054835, OMIM 613135.

Allele frequency attached by ClinVar (database versions not stated): TOPMed 0.00001.
gnomAD v4.1: 2 of 1,612,664 alleles (0.00012%); no homozygotes.

Submissions (2):

Labcorp Genetics (formerly Invitae), Labcorp
Classification: Likely pathogenic for Parkinsonism-dystonia, infantile. Last evaluated: 2017-07-03. Review status: criteria provided, single submitter. Criteria: Invitae Variant Classification Sherloc (09022015). Collection method: clinical testing. Allele origin: germline.
Comment: In summary, the currently available evidence indicates that the variant is pathogenic, but additional data are needed to prove that conclusively. Therefore, this variant has been classified as Likely Pathogenic. Donor and acceptor splice site variants typically lead to a loss of protein function (PMID: 16199547), and loss-of-function variants in SLC6A3 are known to be pathogenic (PMID:21112253). Algorithms developed to predict the effect of sequence changes on RNA splicing suggest that this variant may disrupt the consensus splice site, but this prediction has not been confirmed by published transcriptional studies. This variant has been reported as homozygous in an individual affected with dopamine transporter deficiency syndrome (PMID: 21112253). This variant is not present in population databases (ExAC no frequency). This sequence change affects a donor splice site in intron 7 of the SLC6A3 gene. It is expected to disrupt RNA splicing and likely results in an absent or disrupted protein product.

OMIM
Classification: Pathogenic for PARKINSONISM-DYSTONIA, INFANTILE, 1. Last evaluated: 2011-01-01. Review status: no assertion criteria provided. Collection method: literature only. Allele origin: germline. Not counted in ClinVar's aggregate classification.

Literature cited by the submitters: PubMed 16199547 (cited by Labcorp Genetics (formerly Invitae), Labcorp); PubMed 21112253 (cited by Labcorp Genetics (formerly Invitae), Labcorp and OMIM).